The following is an entry in ClinVar:

ClinVar aggregate classification (germline): Uncertain significance (1 of 4 stars; one submission).

Conditions:
Gastrointestinal stromal tumor. Also called: Gastrointestinal stromal tumor, somatic; Gastrointestinal stroma tumor. Identifiers: Orphanet 44890, MedGen C0238198, MeSH D046152, MONDO:0011719, OMIM 606764, HP:0100723.

Allele frequency attached by ClinVar (database versions not stated): gnomAD 0.00001; TOPMed 0.00001.

Submission:

Labcorp Genetics (formerly Invitae), Labcorp
Classification: Uncertain significance for Gastrointestinal stromal tumor. Last evaluated: 2025-02-13. Review status: criteria provided, single submitter. Criteria: Invitae Variant Classification Sherloc (09022015). Collection method: clinical testing. Allele origin: germline.
Comment: This sequence change falls in intron 8 of the KIT gene. It does not directly change the encoded amino acid sequence of the KIT protein. It affects a nucleotide within the consensus splice site. This variant is not present in population databases (gnomAD no frequency). This variant has not been reported in the literature in individuals affected with KIT-related conditions. ClinVar contains an entry for this variant (Variation ID: 1020216). Variants that disrupt the consensus splice site are a relatively common cause of aberrant splicing (PMID: 17576681, 9536098). Algorithms developed to predict the effect of sequence changes on RNA splicing suggest that this variant is not likely to affect RNA splicing. In summary, the available evidence is currently insufficient to determine the role of this variant in disease. Therefore, it has been classified as a Variant of Uncertain Significance.

Literature cited by the submitters: PubMed 17576681; PubMed 9536098.

NM_000222.3(KIT):c.1346+6A>G

Gene: KIT (KIT proto-oncogene, receptor tyrosine kinase; plus strand). Cytogenetic location: 4q12.
Variant type: single nucleotide variant.
Coding change: c.1346+6A>G on transcript NM_000222.3 (MANE Select); 6 bases into the intron after coding-DNA position 1346, A replaced by G.
Molecular consequence: intron variant.
Genome position (GRCh38, 1-based): chr4:54,723,704, A>G. VCF-style: chr4-54723704-A-G. GRCh37 (hg19) VCF-style: chr4-55589870-A-G.
Other names: c.1349+6A>G (NM_001385284.1, NM_001385290.1, NM_001385288.1 and 1 more transcripts); c.1346+6A>G (NM_001385285.1, NM_001093772.2, NM_001385286.1).
Identifiers: ClinVar variation 1020216 (VCV001020216.14), dbSNP rs893710756, ClinGen allele CA96872930.